The following is an entry in ClinVar:

NM_000214.3(JAG1):c.785G>A (p.Cys262Tyr)

Gene: JAG1 (jagged canonical Notch ligand 1; minus strand). Cytogenetic location: 20p12.2.
Variant type: single nucleotide variant.
Coding change: c.785G>A on transcript NM_000214.3 (MANE Select); coding-DNA position 785, G replaced by A.
Protein change: p.Cys262Tyr; replaces cysteine 262 with tyrosine.
Molecular consequence: missense variant.
Genome position (GRCh38, 1-based): chr20:10,652,569, C>T on the plus strand (G>A on the coding strand, the complement: JAG1 is on the minus strand). VCF-style: chr20-10652569-C-T. GRCh37 (hg19) VCF-style: chr20-10633217-C-T.
Other names: short protein forms C262Y.
Identifiers: ClinVar variation 1717608 (VCV001717608.7), dbSNP rs2514521770, ClinGen allele CA408239426.
Genomic context (GRCh38, chr20:10,652,569, plus strand): 5'-CACTGCCAGGGCTCATTACAGATGCCGTGGACGCATCCCGGGTGTGGGATGCACTTATCA[C>T]AGTACAGGCCTTGCCAGCCGTACTGGCACCTGGAGACACACAGCACACCTCCAGGTTAGC-3'
Protein context (NP_000205.1, residues 252-272): RCQYGWQGLY[Cys262Tyr]DKCIPHPGCV

ClinVar aggregate classification (germline): Uncertain significance (1 of 4 stars; one submission).

Conditions:
Alagille syndrome due to a JAG1 point mutation. Also called: Alagille Syndrome 1; JAG1-Related Alagille Syndrome; HEPATIC DUCTULAR HYPOPLASIA, SYNDROMATIC. Identifiers: Orphanet 261619, Orphanet 52, MedGen C1956125, MONDO:0016862, OMIM 118450.

Submissions (2):

Labcorp Genetics (formerly Invitae), Labcorp
Classification: Uncertain significance for Alagille syndrome due to a JAG1 point mutation. Last evaluated: 2022-08-22. Review status: criteria provided, single submitter. Criteria: Invitae Variant Classification Sherloc (09022015). Collection method: clinical testing. Allele origin: germline.
Comment: This sequence change replaces cysteine, which is neutral and slightly polar, with tyrosine, which is neutral and polar, at codon 262 of the JAG1 protein (p.Cys262Tyr). This variant is not present in population databases (gnomAD no frequency). This variant has not been reported in the literature in individuals affected with JAG1-related conditions. Advanced modeling of protein sequence and biophysical properties (such as structural, functional, and spatial information, amino acid conservation, physicochemical variation, residue mobility, and thermodynamic stability) performed at Invitae indicates that this missense variant is expected to disrupt JAG1 protein function. In summary, the available evidence is currently insufficient to determine the role of this variant in disease. Therefore, it has been classified as a Variant of Uncertain Significance.

Gilbert/Spinner Lab, Children's Hospital of Philadelphia
No classification provided (evidence only). Condition: Alagille syndrome. Review status: no classification provided. Collection method: research. Allele origin: not applicable. Functional consequence: functionally_abnormal. Not counted in ClinVar's aggregate classification.
ClinVar note: "not provided" was previously submitted as the classification for the variant. However, the classification appeared to be based only on an observation of functional data so it was converted to no classification on 2025-07-30.